The following is an entry in ClinVar:

NM_001267550.2(TTN):c.32591A>G (p.Lys10864Arg)

Gene: TTN (titin; minus strand). Cytogenetic location: 2q31.2.
Variant type: single nucleotide variant.
Coding change: c.32591A>G on transcript NM_001267550.2 (MANE Select); coding-DNA position 32591, A replaced by G.
Protein change: p.Lys10864Arg; replaces lysine 10864 with arginine.
Molecular consequence: missense variant. On other transcripts: intron variant (3).
Genome position (GRCh38, 1-based): chr2:178,684,713, T>C on the plus strand (A>G on the coding strand, the complement: TTN is on the minus strand). VCF-style: chr2-178684713-T-C. GRCh37 (hg19) VCF-style: chr2-179549440-T-C.
Other names: c.31640A>G, p.Lys10547Arg (NM_001256850.1); c.28859A>G, p.Lys9620Arg (NM_133378.4); c.13283-42396A>G (NM_003319.4); c.13859-42396A>G (NM_133437.4); c.13658-42396A>G (NM_133432.3); short protein forms K9620R, K10864R, K10547R.
Identifiers: ClinVar variation 332889 (VCV000332889.12), dbSNP rs767155246, ClinGen allele CA1998590.

ClinVar aggregate classification (germline): Uncertain significance. Review status: criteria provided, multiple submitters, no conflicts (2 of 4 stars). 8 submissions from 4 submitters: Uncertain significance (7). 1 of the submissions does not count toward it. Last evaluated 2021-09-28.

Conditions:
TTN-related disorder. Also called: TTN-related condition; TTN-related disease; TTN-related disorders.
Dilated cardiomyopathy 1G (CMD1G). Identifiers: Orphanet 154, MedGen C1858763, MONDO:0011400, OMIM 604145.
Autosomal recessive limb-girdle muscular dystrophy type 2J (LGMDR10). Also called: MUSCULAR DYSTROPHY, LIMB-GIRDLE, AUTOSOMAL RECESSIVE 10; Limb-girdle muscular dystrophy, type 2J. Identifiers: Orphanet 140922, MedGen C1837342, MONDO:0012127, OMIM 608807.
Early-onset myopathy with fatal cardiomyopathy (CMYO5). Also called: CONGENITAL MYOPATHY 5 WITH CARDIOMYOPATHY; Salih Myopathy. Identifiers: Orphanet 289377, MedGen C2673677, MONDO:0012714, OMIM 611705. Disease mechanism: loss of function.
Hypertrophic cardiomyopathy 9. Also called: Familial hypertrophic cardiomyopathy 9. Identifiers: MedGen C1861065, MONDO:0013412, OMIM 613765.
Tibial muscular dystrophy (TMD). Also called: Udd Distal Myopathy – Tibial Muscular Dystrophy; UDD MYOPATHY; Tibial muscular dystrophy, tardive. Identifiers: Orphanet 609, MedGen C1838244, MONDO:0010870, OMIM 600334.
Myopathy, myofibrillar, 9, with early respiratory failure (MFM9). Also called: Myopathy, distal, with early respiratory failure, autosomal dominant; Hereditary myopathy with early respiratory failure; EDSTROM MYOPATHY; MYOPATHY, PROXIMAL, WITH EARLY RESPIRATORY MUSCLE INVOLVEMENT. Identifiers: Orphanet 178464, Orphanet 34521, MedGen C1863599, MONDO:0011362, OMIM 603689.

Allele frequency attached by ClinVar (database versions not stated): ExAC 0.00001; gnomAD exomes 0.00002 and 0.00004; TOPMed 0.00003; gnomAD 0.00004.
gnomAD v4.1: 64 of 1,612,162 alleles (0.004%); highest among the groups gnomAD compares: African/African-American, 0.0053%; no homozygotes.

Submissions (8):

Fulgent Genetics
Classification: Uncertain significance for Tibial muscular dystrophy; Myopathy, myofibrillar, 9, with early respiratory failure; Dilated cardiomyopathy 1G; Autosomal recessive limb-girdle muscular dystrophy type 2J; Early-onset myopathy with fatal cardiomyopathy; Hypertrophic cardiomyopathy 9. Last evaluated: 2021-09-28. Review status: criteria provided, single submitter. Criteria: ACMG Guidelines, 2015. Collection method: clinical testing. Allele origin: unknown.

Eurofins Ntd Llc (ga)
Classification: Uncertain significance. Last evaluated: 2018-03-19. Review status: criteria provided, single submitter. Criteria: EGL ClinVar v180209 classification definitions. Collection method: clinical testing. Allele origin: germline. Observed: 1 variant allele, 1 heterozygote.

Illumina Laboratory Services, Illumina
Classification: Uncertain significance for Dilated cardiomyopathy 1G. Last evaluated: 2018-01-13. Review status: criteria provided, single submitter. Criteria: ICSL Variant Classification Criteria 13 December 2019. Collection method: clinical testing. Allele origin: germline.

Illumina Laboratory Services, Illumina
Classification: Uncertain significance for Early-onset myopathy with fatal cardiomyopathy. Last evaluated: 2018-01-13. Review status: criteria provided, single submitter. Criteria: ICSL Variant Classification Criteria 13 December 2019. Collection method: clinical testing. Allele origin: germline.

Illumina Laboratory Services, Illumina
Classification: Uncertain significance for Myopathy, myofibrillar, 9, with early respiratory failure. Last evaluated: 2018-01-13. Review status: criteria provided, single submitter. Criteria: ICSL Variant Classification Criteria 13 December 2019. Collection method: clinical testing. Allele origin: germline.

Illumina Laboratory Services, Illumina
Classification: Uncertain significance for Autosomal recessive limb-girdle muscular dystrophy type 2J. Last evaluated: 2018-01-13. Review status: criteria provided, single submitter. Criteria: ICSL Variant Classification Criteria 13 December 2019. Collection method: clinical testing. Allele origin: germline.

Illumina Laboratory Services, Illumina
Classification: Uncertain significance for Tibial muscular dystrophy. Last evaluated: 2018-01-13. Review status: criteria provided, single submitter. Criteria: ICSL Variant Classification Criteria 13 December 2019. Collection method: clinical testing. Allele origin: germline.

PreventionGenetics, part of Exact Sciences
Classification: Uncertain significance for TTN-related condition. Last evaluated: 2024-01-08. Review status: no assertion criteria provided. Collection method: clinical testing. Allele origin: germline. Not counted in ClinVar's aggregate classification.
Comment: The TTN c.32591A>G variant is predicted to result in the amino acid substitution p.Lys10864Arg. To our knowledge, this variant has not been reported in the literature. This variant is reported in 0.0031% of alleles in individuals of European (Non-Finnish) descent in gnomAD. At this time, the clinical significance of this variant is uncertain due to the absence of conclusive functional and genetic evidence.